The following is an entry in ClinVar:

ClinVar aggregate classification (germline): Likely benign. Review status: criteria provided, single submitter (1 of 4 stars). 2 submissions from 2 submitters: Likely benign (1). 1 of the submissions does not count toward it. Last evaluated 2024-02-05.

Conditions:
TRAPPC11-related disorder. Also called: TRAPPC11-related condition.
Autosomal recessive limb-girdle muscular dystrophy type R18 (LGMDR18). Also called: Autosomal recessive limb-girdle muscular dystrophy type 2S; MUSCULAR DYSTROPHY, LIMB-GIRDLE, AUTOSOMAL RECESSIVE 18; Limb-girdle muscular dystrophy, type 2S. Identifiers: Orphanet 369840, MedGen C4517996, MONDO:0014144, OMIM 615356.

Allele frequency attached by ClinVar (database versions not stated): gnomAD exomes below 0.00001 and 0.00003; TOPMed below 0.00001; gnomAD 0.00001.
gnomAD v4.1: 40 of 1,599,998 alleles (0.0025%); highest among the groups gnomAD compares: Non-Finnish European, 0.0034%; no homozygotes.

Submissions (2):

Labcorp Genetics (formerly Invitae), Labcorp
Classification: Likely benign for Autosomal recessive limb-girdle muscular dystrophy type R18. Last evaluated: 2024-02-05. Review status: criteria provided, single submitter. Criteria: Invitae Variant Classification Sherloc (09022015). Collection method: clinical testing. Allele origin: germline.

PreventionGenetics, part of Exact Sciences
Classification: Likely benign for TRAPPC11-related condition. Last evaluated: 2019-05-02. Review status: no assertion criteria provided. Collection method: clinical testing. Allele origin: germline. Not counted in ClinVar's aggregate classification.
Comment: This variant is classified as likely benign based on ACMG/AMP sequence variant interpretation guidelines (Richards et al. 2015 PMID: 25741868, with internal and published modifications).

NM_021942.6(TRAPPC11):c.399A>G (p.Thr133=)

Gene: TRAPPC11 (trafficking protein particle complex subunit 11; plus strand). Cytogenetic location: 4q35.1.
Variant type: single nucleotide variant.
Coding change: c.399A>G on transcript NM_021942.6 (MANE Select); coding-DNA position 399, A replaced by G.
Protein change: p.Thr133=; no amino-acid change (threonine 133 retained).
Molecular consequence: synonymous variant.
Genome position (GRCh38, 1-based): chr4:183,667,084, A>G. VCF-style: chr4-183667084-A-G. GRCh37 (hg19) VCF-style: chr4-184588237-A-G.
Other names: c.399A>G, p.Thr133= (NM_199053.3).
Identifiers: ClinVar variation 706328 (VCV000706328.12), dbSNP rs774078744, ClinGen allele CA111835455.